The following is an entry in ClinVar:

ClinVar aggregate classification (germline): Uncertain significance (1 of 4 stars; one submission).

Conditions:
Familial thoracic aortic aneurysm and aortic dissection (TAAD). Also called: Thoracic aortic aneurysms and dissections. Identifiers: Orphanet 91387, MedGen C4707243, MONDO:0019625.

gnomAD v4.1: 1 of 1,613,118 alleles (0.000062%); highest among the groups gnomAD compares: African/African-American, 0.0013%; no homozygotes.

Submission:

Ambry Genetics
Classification: Uncertain significance for Familial thoracic aortic aneurysm and aortic dissection. Last evaluated: 2025-07-22. Review status: criteria provided, single submitter. Criteria: Ambry Variant Classification Scheme 2023. Collection method: clinical testing. Allele origin: germline.
Comment: The p.R566K variant (also known as c.1697G>A), located in coding exon 12 of the FBN2 gene, results from a G to A substitution at nucleotide position 1697. The arginine at codon 566 is replaced by lysine, an amino acid with highly similar properties. This amino acid position is well conserved in available vertebrate species. In addition, this alteration is predicted to be tolerated by in silico analysis. Based on the available evidence, the clinical significance of this variant remains unclear.

NM_001999.4(FBN2):c.1697G>A (p.Arg566Lys)

Gene: FBN2 (fibrillin 2; minus strand). Cytogenetic location: 5q23.3.
Variant type: single nucleotide variant.
Coding change: c.1697G>A on transcript NM_001999.4 (MANE Select); coding-DNA position 1697, G replaced by A.
Protein change: p.Arg566Lys; replaces arginine 566 with lysine.
Molecular consequence: missense variant.
Genome position (GRCh38, 1-based): chr5:128,378,797, C>T on the plus strand (G>A on the coding strand, the complement: FBN2 is on the minus strand). VCF-style: chr5-128378797-C-T. GRCh37 (hg19) VCF-style: chr5-127714490-C-T.
Other names: short protein forms R566K.
Identifiers: ClinVar variation 4255490 (VCV004255490.1).
Genomic context (GRCh38, chr5:128,378,797, plus strand): 5'-GAACATTTTCATATGTGAAAGCAAACTGCCTTACCAATGCATGCTTGCTTGGTAGGAGTC[C>T]TCTGGAATCCAGCATGACATTTACAATAATAGGAACCAGGTGTGTTAACACAATCTCCAT-3'
Protein context (NP_001990.2, residues 556-576): YYCKCHAGFQ[Arg566Lys]TPTKQACIDI